The following is an entry in ClinVar:

NM_005068.3(SIM1):c.649C>A (p.Leu217Met)

Gene: SIM1 (SIM bHLH transcription factor 1; minus strand). Cytogenetic location: 6q16.3.
Variant type: single nucleotide variant.
Coding change: c.649C>A on transcript NM_005068.3 (MANE Select); coding-DNA position 649, C replaced by A.
Protein change: p.Leu217Met; replaces leucine 217 with methionine.
Molecular consequence: missense variant.
Genome position (GRCh38, 1-based): chr6:100,448,573, G>T on the plus strand (C>A on the coding strand, the complement: SIM1 is on the minus strand). VCF-style: chr6-100448573-G-T. GRCh37 (hg19) VCF-style: chr6-100896449-G-T.
Other names: c.649C>A, p.Leu217Met (NM_001374769.1); short protein forms L217M.
Identifiers: ClinVar variation 3353223 (VCV003353223.4).

ClinVar aggregate classification (germline): Uncertain significance. Review status: criteria provided, multiple submitters, no conflicts (2 of 4 stars). 2 submissions from 2 submitters: Uncertain significance (2). Last evaluated 2026-09-26.

Conditions:
SIM1-related disorder. Also called: SIM1-related disorders; SIM1-related condition.

Submissions (2):

PreventionGenetics, part of Exact Sciences
Classification: Uncertain significance for SIM1-related condition. Last evaluated: 2026-09-26. Review status: criteria provided, single submitter. Criteria: ACMG Guidelines, 2015. Collection method: clinical testing. Allele origin: germline.
Comment: The SIM1 c.649C>A variant is predicted to result in the amino acid substitution p.Leu217Met. To our knowledge, this variant has not been reported in the literature in individuals with autosomal dominant obesity. This variant is reported in 0.0077% of alleles in individuals of European (Non-Finnish) descent in gnomAD. At this time, the clinical significance of this variant is uncertain due to the absence of conclusive functional and genetic evidence.

Labcorp Genetics (formerly Invitae), Labcorp
Classification: Uncertain significance. Last evaluated: 2025-01-15. Review status: criteria provided, single submitter. Criteria: Invitae Variant Classification Sherloc (09022015). Collection method: clinical testing. Allele origin: germline.
Comment: This sequence change replaces leucine, which is neutral and non-polar, with methionine, which is neutral and non-polar, at codon 217 of the SIM1 protein (p.Leu217Met). This variant is present in population databases (rs141350033, gnomAD 0.008%). This variant has not been reported in the literature in individuals affected with SIM1-related conditions. An algorithm developed to predict the effect of missense changes on protein structure and function (PolyPhen-2) suggests that this variant is likely to be disruptive. In summary, the available evidence is currently insufficient to determine the role of this variant in disease. Therefore, it has been classified as a Variant of Uncertain Significance.